The following is an entry in ClinVar:

NM_005876.5(SPEG):c.7722G>A (p.Gln2574=)

Genes: ASIC4-AS1 (ASIC4 antisense RNA 1; minus strand), SPEG (striated muscle enriched protein kinase; plus strand). Cytogenetic location: 2q35.
Variant type: single nucleotide variant.
Coding change: c.7722G>A on transcript NM_005876.5 (MANE Select); coding-DNA position 7722, G replaced by A.
Protein change: p.Gln2574=; no amino-acid change (glutamine 2574 retained).
Molecular consequence: synonymous variant.
Genome position (GRCh38, 1-based): chr2:219,485,458, G>A. VCF-style: chr2-219485458-G-A. GRCh37 (hg19) VCF-style: chr2-220350180-G-A.
Identifiers: ClinVar variation 1614353 (VCV001614353.34), dbSNP rs370649349, ClinGen allele CA2127262.

ClinVar aggregate classification (germline): Likely benign. Review status: criteria provided, multiple submitters, no conflicts (2 of 4 stars). 4 submissions from 4 submitters: Likely benign (4). Last evaluated 2025-10-02.

Allele frequency attached by ClinVar (database versions not stated): ESP Exome Variant Server 0.00008; TOPMed 0.00015; gnomAD exomes 0.00018 and 0.00020; gnomAD 0.00019 and 0.00020; ExAC 0.00028.
gnomAD v4.1: 291 of 1,595,806 alleles (0.018%); highest among the groups gnomAD compares: Non-Finnish European, 0.021%; 2 homozygotes.

Submissions (4):

Labcorp Genetics (formerly Invitae), Labcorp
Classification: Likely benign. Last evaluated: 2025-10-02. Review status: criteria provided, single submitter. Criteria: Invitae Variant Classification Sherloc (09022015). Collection method: clinical testing. Allele origin: germline.

Laboratory of Genetics, Children's Clinical University Hospital Latvia
Classification: Likely benign. Last evaluated: 2025-02-16. Review status: criteria provided, single submitter. Criteria: ACMG Guidelines, 2015. Collection method: clinical testing. Allele origin: germline. Affected: yes.

Blueprint Genetics
Classification: Likely benign. Last evaluated: 2024-08-05. Review status: criteria provided, single submitter. Criteria: ACMG Guidelines, 2015. Collection method: clinical testing. Allele origin: germline.

CeGaT Center for Human Genetics Tuebingen
Classification: Likely benign. Last evaluated: 2022-11-01. Review status: criteria provided, single submitter. Criteria: CeGaT Center For Human Genetics Tuebingen Variant Classification Criteria Version 2. Collection method: clinical testing. Allele origin: germline. Affected: yes. Observed: 1 variant allele.
Comment: SPEG: BP4, BP7